The following is an entry in ClinVar:

NM_000138.5(FBN1):c.8235dup (p.Glu2746Ter)

Gene: FBN1 (fibrillin 1; minus strand). Cytogenetic location: 15q21.1.
Variant type: Duplication.
Coding change: c.8235dup on transcript NM_000138.5 (MANE Select); coding-DNA position 8235, one base duplicated (T; older notation c.8235dupT).
Protein change: p.Glu2746Ter; replaces glutamic acid 2746 with a stop codon.
Molecular consequence: nonsense.
Genome position (GRCh38, 1-based): chr15:48,411,371, A duplicated on the plus strand (T on the coding strand, the reverse complement: FBN1 is on the minus strand). VCF-style (leftmost placement, unchanged base first): chr15-48411370-C-CA. GRCh37 (hg19) VCF-style: chr15-48703567-C-CA.
Other names: short protein forms E2746*.
Identifiers: ClinVar variation 1074530 (VCV001074530.9), dbSNP rs2141210158, ClinGen allele CA2499222956.
Genomic context (GRCh38, chr15:48,411,370, plus strand): 5'-AAGCAAAGATGGCTGTCTTCTCAACATCCCAACTTGCAAGACTCACATTGGCTTCTGTCT[C>CA]AGACTGATCCTGGAAAGACACATGGCAATATGTTAAATACAATGTACATATGCCACTTAG-3'

ClinVar aggregate classification (germline): Pathogenic (1 of 4 stars; one submission).

Conditions:
Familial thoracic aortic aneurysm and aortic dissection (TAAD). Also called: Thoracic aortic aneurysms and dissections. Identifiers: Orphanet 91387, MedGen C4707243, MONDO:0019625.
Marfan syndrome (MFS). Also called: Marfan syndrome type 1; Marfan's syndrome; Marfan syndrome, classic; MARFAN SYNDROME, TYPE I; FBN1-Related Marfan Syndrome. Identifiers: Orphanet 284963, Orphanet 558, MedGen C0024796, MONDO:0007947, OMIM 154700.

Submission:

Labcorp Genetics (formerly Invitae), Labcorp
Classification: Pathogenic for Marfan syndrome; Familial thoracic aortic aneurysm and aortic dissection. Last evaluated: 2022-04-28. Review status: criteria provided, single submitter. Criteria: Invitae Variant Classification Sherloc (09022015). Collection method: clinical testing. Allele origin: germline.
Comment: For these reasons, this variant has been classified as Pathogenic. This variant disrupts a region of the FBN1 protein in which other variant(s) (p.Leu2854Profs*9) have been determined to be pathogenic (Invitae). This suggests that this is a clinically significant region of the protein, and that variants that disrupt it are likely to be disease-causing. ClinVar contains an entry for this variant (Variation ID: 1074530). This variant has not been reported in the literature in individuals affected with FBN1-related conditions. This variant is not present in population databases (gnomAD no frequency). This sequence change creates a premature translational stop signal (p.Glu2746*) in the FBN1 gene. While this is not anticipated to result in nonsense mediated decay, it is expected to disrupt the last 126 amino acid(s) of the FBN1 protein.